The following is an entry in ClinVar:

NM_004484.4(GPC3):c.722A>G (p.Asn241Ser)

Gene: GPC3 (glypican 3; minus strand). Cytogenetic location: Xq26.2.
Variant type: single nucleotide variant.
Coding change: c.722A>G on transcript NM_004484.4 (MANE Select); coding-DNA position 722, A replaced by G.
Protein change: p.Asn241Ser; replaces asparagine 241 with serine.
Molecular consequence: missense variant.
Genome position (GRCh38, 1-based): chrX:133,753,792, T>C on the plus strand (A>G on the coding strand, the complement: GPC3 is on the minus strand). VCF-style: chrX-133753792-T-C. GRCh37 (hg19) VCF-style: chrX-132887819-T-C.
Other names: c.722A>G, p.Asn241Ser (NM_001164617.2); c.674A>G, p.Asn225Ser (NM_001164618.2); c.560A>G, p.Asn187Ser (NM_001164619.2); short protein forms N187S, N225S, N241S.
Identifiers: ClinVar variation 642545 (VCV000642545.9), dbSNP rs1603240573, ClinGen allele CA414706003.
Genomic context (GRCh38, chrX:133,753,792, plus strand): 5'-TACCACATTCTGGTGAGCATTCGGCCACAGTCCTTACTGAACTTCAGGTGATCAGTTGTG[T>C]TGATCACTTCAATTCCAAGATTCAGAGCCTGAAGGAAGATCCTAGTGACTTGCAGTGACT-3'
Protein context (NP_004475.1, residues 231-251): QALNLGIEVI[Asn241Ser]TTDHLKFSKD

ClinVar aggregate classification (germline): Uncertain significance (1 of 4 stars; one submission).

Conditions:
Wilms tumor 1 (WT1). Also called: Wilms tumor, somatic. Identifiers: Orphanet 654, MedGen CN033288, MONDO:0008679, OMIM 194070.

Submission:

Labcorp Genetics (formerly Invitae), Labcorp
Classification: Uncertain significance for Wilms tumor 1. Last evaluated: 2018-12-24. Review status: criteria provided, single submitter. Criteria: Invitae Variant Classification Sherloc (09022015). Collection method: clinical testing. Allele origin: germline.
Comment: In summary, the available evidence is currently insufficient to determine the role of this variant in disease. Therefore, it has been classified as a Variant of Uncertain Significance. Algorithms developed to predict the effect of missense changes on protein structure and function are either unavailable or do not agree on the potential impact of this missense change (SIFT: "Tolerated"; PolyPhen-2: "Probably Damaging"; Align-GVGD: "Class C0"). This variant has not been reported in the literature in individuals with GPC3-related conditions. This variant is not present in population databases (ExAC no frequency). This sequence change replaces asparagine with serine at codon 241 of the GPC3 protein (p.Asn241Ser). The asparagine residue is highly conserved and there is a small physicochemical difference between asparagine and serine.